The following is an entry in ClinVar:

ClinVar aggregate classification (germline): Uncertain significance (1 of 4 stars; one submission).

gnomAD v4.1: 4 of 1,208,909 alleles (0.00033%); highest among the groups gnomAD compares: Non-Finnish European, 0.00045%; no homozygotes.

Submission:

GeneDx
Classification: Uncertain significance. Last evaluated: 2025-01-09. Review status: criteria provided, single submitter. Criteria: GeneDx Variant Classification Process June 2021. Collection method: clinical testing. Allele origin: germline. Affected: yes.
Comment: Not observed at significant frequency in large population cohorts (gnomAD); Missense variants in this gene are a common cause of disease and they are underrepresented in the general population; In silico analysis indicates that this missense variant does not alter protein structure/function; In silico analysis suggests this variant may impact gene splicing. In the absence of RNA/functional studies, the actual effect of this sequence change is unknown.; Has not been previously published as pathogenic or benign to our knowledge

NM_006306.4(SMC1A):c.344A>G (p.His115Arg)

Gene: SMC1A (structural maintenance of chromosomes 1A; minus strand). Cytogenetic location: Xp11.22.
Variant type: single nucleotide variant.
Coding change: c.344A>G on transcript NM_006306.4 (MANE Select); coding-DNA position 344, A replaced by G.
Protein change: p.His115Arg; replaces histidine 115 with arginine.
Molecular consequence: missense variant.
Genome position (GRCh38, 1-based): chrX:53,414,825, T>C on the plus strand (A>G on the coding strand, the complement: SMC1A is on the minus strand). VCF-style: chrX-53414825-T-C. GRCh37 (hg19) VCF-style: chrX-53441774-T-C.
Other names: c.278A>G, p.His93Arg (NM_001281463.1); short protein forms H115R, H93R.
Identifiers: ClinVar variation 4056927 (VCV004056927.1).